The following is an entry in ClinVar:

ClinVar aggregate classification (germline): Uncertain significance (1 of 4 stars; one submission).

Conditions:
Chédiak-Higashi syndrome (CHS). Also called: Chediak-Higashi Syndrome. Identifiers: Orphanet 167, MedGen C0007965, MONDO:0008963, OMIM 214500.

Submission:

Labcorp Genetics (formerly Invitae), Labcorp
Classification: Uncertain significance for Chédiak-Higashi syndrome. Last evaluated: 2024-02-03. Review status: criteria provided, single submitter. Criteria: Invitae Variant Classification Sherloc (09022015). Collection method: clinical testing. Allele origin: germline.
Comment: This sequence change replaces tyrosine, which is neutral and polar, with histidine, which is basic and polar, at codon 3186 of the LYST protein (p.Tyr3186His). This variant is not present in population databases (gnomAD no frequency). This variant has not been reported in the literature in individuals affected with LYST-related conditions. Advanced modeling of protein sequence and biophysical properties (such as structural, functional, and spatial information, amino acid conservation, physicochemical variation, residue mobility, and thermodynamic stability) performed at Invitae indicates that this missense variant is expected to disrupt LYST protein function with a positive predictive value of 80%. In summary, the available evidence is currently insufficient to determine the role of this variant in disease. Therefore, it has been classified as a Variant of Uncertain Significance.

NM_000081.4(LYST):c.9556T>C (p.Tyr3186His)

Gene: LYST (lysosomal trafficking regulator; minus strand). Cytogenetic location: 1q42.3.
Variant type: single nucleotide variant.
Coding change: c.9556T>C on transcript NM_000081.4 (MANE Select); coding-DNA position 9556, T replaced by C.
Protein change: p.Tyr3186His; replaces tyrosine 3186 with histidine.
Molecular consequence: missense variant.
Genome position (GRCh38, 1-based): chr1:235,720,665, A>G on the plus strand (T>C on the coding strand, the complement: LYST is on the minus strand). VCF-style: chr1-235720665-A-G. GRCh37 (hg19) VCF-style: chr1-235883965-A-G.
Other names: c.9556T>C, p.Tyr3186His (NM_001301365.1); short protein forms Y3186H.
Identifiers: ClinVar variation 3713857 (VCV003713857.2).